The following is an entry in ClinVar:

NM_001256789.3(CACNA1F):c.2615T>A (p.Leu872His)

Gene: CACNA1F (calcium voltage-gated channel subunit alpha1 F; minus strand). Cytogenetic location: Xp11.23.
Variant type: single nucleotide variant.
Coding change: c.2615T>A on transcript NM_001256789.3 (MANE Select); coding-DNA position 2615, T replaced by A.
Protein change: p.Leu872His; replaces leucine 872 with histidine.
Molecular consequence: missense variant.
Genome position (GRCh38, 1-based): chrX:49,219,379, A>T on the plus strand (T>A on the coding strand, the complement: CACNA1F is on the minus strand). VCF-style: chrX-49219379-A-T. GRCh37 (hg19) VCF-style: chrX-49075838-A-T.
Other names: c.2453T>A, p.Leu818His (NM_001256790.3); c.2648T>A, p.Leu883His (NM_005183.4); short protein forms L872H, L883H, L818H.
Identifiers: ClinVar variation 3720057 (VCV003720057.2).

ClinVar aggregate classification (germline): Uncertain significance (1 of 4 stars; one submission).

Submission:

Labcorp Genetics (formerly Invitae), Labcorp
Classification: Uncertain significance. Last evaluated: 2024-12-19. Review status: criteria provided, single submitter. Criteria: Invitae Variant Classification Sherloc (09022015). Collection method: clinical testing. Allele origin: germline.
Comment: This sequence change replaces leucine, which is neutral and non-polar, with histidine, which is basic and polar, at codon 883 of the CACNA1F protein (p.Leu883His). This variant is not present in population databases (gnomAD no frequency). This variant has not been reported in the literature in individuals affected with CACNA1F-related conditions. Invitae Evidence Modeling of protein sequence and biophysical properties (such as structural, functional, and spatial information, amino acid conservation, physicochemical variation, residue mobility, and thermodynamic stability) has been performed for this missense variant. However, the output from this modeling did not meet the statistical confidence thresholds required to predict the impact of this variant on CACNA1F protein function. In summary, the available evidence is currently insufficient to determine the role of this variant in disease. Therefore, it has been classified as a Variant of Uncertain Significance.